The following is an entry in ClinVar:

NM_004655.4(AXIN2):c.1311G>C (p.Thr437=)

Gene: AXIN2 (axin 2; minus strand). Cytogenetic location: 17q24.1.
Variant type: single nucleotide variant.
Coding change: c.1311G>C on transcript NM_004655.4 (MANE Select); coding-DNA position 1311, G replaced by C.
Protein change: p.Thr437=; no amino-acid change (threonine 437 retained).
Molecular consequence: synonymous variant.
Genome position (GRCh38, 1-based): chr17:65,537,725, C>G on the plus strand (G>C on the coding strand, the complement: AXIN2 is on the minus strand). VCF-style: chr17-65537725-C-G. GRCh37 (hg19) VCF-style: chr17-63533843-C-G.
Other names: c.1311G>C, p.Thr437= (NM_001363813.1).
Identifiers: ClinVar variation 1586064 (VCV001586064.12), dbSNP rs1555578002, ClinGen allele CA501691281.

ClinVar aggregate classification (germline): Benign/Likely benign. Review status: criteria provided, multiple submitters, no conflicts (2 of 4 stars). 3 submissions from 3 submitters: Benign (1); Likely benign (2). Last evaluated 2025-06-09.

Conditions:
Oligodontia-cancer predisposition syndrome. Also called: TOOTH AGENESIS-COLORECTAL CANCER SYNDROME. Identifiers: Orphanet 300576, MedGen C1837750, MONDO:0012075, OMIM 608615. Disease mechanism: loss of function.
Hereditary cancer-predisposing syndrome. Also called: Tumor predisposition; Hereditary Cancer Syndrome; Neoplastic Syndromes, Hereditary; Hereditary neoplastic syndrome. Identifiers: Orphanet 140162, MedGen C0027672, MeSH D009386, MONDO:0015356.

Submissions (3):

Labcorp Genetics (formerly Invitae), Labcorp
Classification: Likely benign for Oligodontia-cancer predisposition syndrome. Last evaluated: 2025-06-09. Review status: criteria provided, single submitter. Criteria: Invitae Variant Classification Sherloc (09022015). Collection method: clinical testing. Allele origin: germline.

Myriad Genetics, Inc.
Classification: Benign for Oligodontia-cancer predisposition syndrome. Last evaluated: 2024-07-02. Review status: criteria provided, single submitter. Criteria: Myriad Autosomal Dominant, Autosomal Recessive and X-Linked Classification Criteria (2023). Collection method: clinical testing. Allele origin: unknown.
Comment: This variant is considered benign. This variant is a silent/synonymous amino acid change and it is not expected to impact splicing.

Ambry Genetics
Classification: Likely benign for Hereditary cancer-predisposing syndrome. Last evaluated: 2019-10-24. Review status: criteria provided, single submitter. Criteria: Ambry Variant Classification Scheme 2023. Collection method: clinical testing. Allele origin: germline.